The following is an entry in ClinVar:

ClinVar aggregate classification (germline): Uncertain significance (1 of 4 stars; one submission).

Conditions:
Hereditary sensory and autonomic neuropathy type 7. Also called: HSAN VII; Neuropathy, hereditary sensory and autonomic, type VII. Identifiers: Orphanet 391397, MedGen C3809882, MONDO:0014244, OMIM 615548.
Familial episodic pain syndrome with predominantly lower limb involvement. Also called: Episodic pain syndrome, familial, 3. Identifiers: Orphanet 391384, Orphanet 391392, MedGen C3809899, MONDO:0014247, OMIM 615552.

Submission:

Labcorp Genetics (formerly Invitae), Labcorp
Classification: Uncertain significance for Familial episodic pain syndrome with predominantly lower limb involvement; Hereditary sensory and autonomic neuropathy type 7. Last evaluated: 2023-08-08. Review status: criteria provided, single submitter. Criteria: Invitae Variant Classification Sherloc (09022015). Collection method: clinical testing. Allele origin: germline.
Comment: In summary, the available evidence is currently insufficient to determine the role of this variant in disease. Therefore, it has been classified as a Variant of Uncertain Significance. Advanced modeling of protein sequence and biophysical properties (such as structural, functional, and spatial information, amino acid conservation, physicochemical variation, residue mobility, and thermodynamic stability) performed at Invitae indicates that this missense variant is expected to disrupt SCN11A protein function. This variant has not been reported in the literature in individuals affected with SCN11A-related conditions. This variant is not present in population databases (gnomAD no frequency). This sequence change replaces asparagine, which is neutral and polar, with histidine, which is basic and polar, at codon 1597 of the SCN11A protein (p.Asn1597His).

NM_001349253.2(SCN11A):c.4789A>C (p.Asn1597His)

Gene: SCN11A (sodium voltage-gated channel alpha subunit 11; minus strand). Cytogenetic location: 3p22.2.
Variant type: single nucleotide variant.
Coding change: c.4789A>C on transcript NM_001349253.2 (MANE Select); coding-DNA position 4789, A replaced by C.
Protein change: p.Asn1597His; replaces asparagine 1597 with histidine.
Molecular consequence: missense variant.
Genome position (GRCh38, 1-based): chr3:38,847,281, T>G on the plus strand (A>C on the coding strand, the complement: SCN11A is on the minus strand). VCF-style: chr3-38847281-T-G. GRCh37 (hg19) VCF-style: chr3-38888772-T-G.
Other names: c.4789A>C, p.Asn1597His (NM_014139.3); short protein forms N1597H.
Identifiers: ClinVar variation 2950401 (VCV002950401.3), dbSNP rs2470965865, ClinGen allele CA352162423.